The following is an entry in ClinVar:

NM_004329.3(BMPR1A):c.1012G>T (p.Ala338Ser)

Gene: BMPR1A (bone morphogenetic protein receptor type 1A; plus strand). Cytogenetic location: 10q23.2.
Variant type: single nucleotide variant.
Coding change: c.1012G>T on transcript NM_004329.3 (MANE Select); coding-DNA position 1012, G replaced by T.
Protein change: p.Ala338Ser; replaces alanine 338 with serine.
Molecular consequence: missense variant.
Genome position (GRCh38, 1-based): chr10:86,919,315, G>T. VCF-style: chr10-86919315-G-T. GRCh37 (hg19) VCF-style: chr10-88679072-G-T.
Other names: short protein forms A338S.
Identifiers: ClinVar variation 1379327 (VCV001379327.10), dbSNP rs1564724239, ClinGen allele CA377460563.

ClinVar aggregate classification (germline): Uncertain significance. Review status: criteria provided, multiple submitters, no conflicts (2 of 4 stars). 2 submissions from 2 submitters: Uncertain significance (2). Last evaluated 2025-11-19.

Conditions:
Juvenile polyposis syndrome (JPS). Identifiers: Orphanet 2929, MedGen C0345893, MONDO:0017380, OMIM 174900.
Hereditary cancer-predisposing syndrome. Also called: Tumor predisposition; Hereditary neoplastic syndrome; Neoplastic Syndromes, Hereditary; Hereditary Cancer Syndrome. Identifiers: Orphanet 140162, MedGen C0027672, MeSH D009386, MONDO:0015356.

Submissions (2):

Labcorp Genetics (formerly Invitae), Labcorp
Classification: Uncertain significance for Juvenile polyposis syndrome. Last evaluated: 2025-11-19. Review status: criteria provided, single submitter. Criteria: Invitae Variant Classification Sherloc (09022015). Collection method: clinical testing. Allele origin: germline.
Comment: This sequence change replaces alanine, which is neutral and non-polar, with serine, which is neutral and polar, at codon 338 of the BMPR1A protein (p.Ala338Ser). This variant is not present in population databases (gnomAD no frequency). This variant has not been reported in the literature in individuals affected with BMPR1A-related conditions. ClinVar contains an entry for this variant (Variation ID: 1379327). Invitae Evidence Modeling of protein sequence and biophysical properties (such as structural, functional, and spatial information, amino acid conservation, physicochemical variation, residue mobility, and thermodynamic stability) indicates that this missense variant is not expected to disrupt BMPR1A protein function with a negative predictive value of 80%. In summary, the available evidence is currently insufficient to determine the role of this variant in disease. Therefore, it has been classified as a Variant of Uncertain Significance.

Ambry Genetics
Classification: Uncertain significance for Hereditary cancer-predisposing syndrome. Last evaluated: 2025-04-17. Review status: criteria provided, single submitter. Criteria: Ambry Variant Classification Scheme 2023. Collection method: clinical testing. Allele origin: germline.
Comment: The p.A338S variant (also known as c.1012G>T), located in coding exon 8 of the BMPR1A gene, results from a G to T substitution at nucleotide position 1012. The alanine at codon 338 is replaced by serine, an amino acid with similar properties. This amino acid position is well conserved in available vertebrate species. In addition, the in silico prediction for this alteration is inconclusive. Based on the available evidence, the clinical significance of this variant remains unclear.